The following is an entry in ClinVar:

ClinVar aggregate classification (germline): Uncertain significance. Review status: criteria provided, multiple submitters, no conflicts (2 of 4 stars). 2 submissions from 2 submitters: Uncertain significance (2). Last evaluated 2024-07-27.

Allele frequency attached by ClinVar (database versions not stated): ExAC 0.00012; gnomAD 0.00002 and 0.00003; TOPMed 0.00003; gnomAD exomes 0.00004 and 0.00006.
gnomAD v4.1: 62 of 1,612,702 alleles (0.0038%); highest among the groups gnomAD compares: Non-Finnish European, 0.0046%; no homozygotes.

Submissions (2):

Ambry Genetics
Classification: Uncertain significance. Last evaluated: 2024-07-27. Review status: criteria provided, single submitter. Criteria: Ambry Variant Classification Scheme 2023. Collection method: clinical testing. Allele origin: germline.

Labcorp Genetics (formerly Invitae), Labcorp
Classification: Uncertain significance. Last evaluated: 2024-04-16. Review status: criteria provided, single submitter. Criteria: Invitae Variant Classification Sherloc (09022015). Collection method: clinical testing. Allele origin: germline.
Comment: This sequence change replaces histidine, which is basic and polar, with arginine, which is basic and polar, at codon 89 of the SAMD11 protein (p.His89Arg). This variant is present in population databases (rs148774856, gnomAD 0.01%). This variant has not been reported in the literature in individuals affected with SAMD11-related conditions. ClinVar contains an entry for this variant (Variation ID: 852351). An algorithm developed to predict the effect of missense changes on protein structure and function (PolyPhen-2) suggests that this variant is likely to be disruptive. In summary, the available evidence is currently insufficient to determine the role of this variant in disease. Therefore, it has been classified as a Variant of Uncertain Significance.

NM_001385641.1(SAMD11):c.803A>G (p.His268Arg)

Gene: SAMD11 (sterile alpha motif domain containing 11; plus strand). Cytogenetic location: 1p36.33.
Variant type: single nucleotide variant.
Coding change: c.803A>G on transcript NM_001385641.1 (MANE Select); coding-DNA position 803, A replaced by G.
Protein change: p.His268Arg; replaces histidine 268 with arginine.
Molecular consequence: missense variant.
Genome position (GRCh38, 1-based): chr1:931,050, A>G. VCF-style: chr1-931050-A-G. GRCh37 (hg19) VCF-style: chr1-866430-A-G.
Other names: c.803A>G, p.His268Arg (NM_001385640.1); c.266A>G, p.His89Arg (NM_152486.4); short protein forms H89R, H268R.
Identifiers: ClinVar variation 852351 (VCV000852351.12), dbSNP rs148774856, ClinGen allele CA502496.